The following is an entry in ClinVar:

ClinVar aggregate classification (germline): Uncertain significance (1 of 4 stars; one submission).

Submission:

Labcorp Genetics (formerly Invitae), Labcorp
Classification: Uncertain significance. Last evaluated: 2024-11-18. Review status: criteria provided, single submitter. Criteria: Invitae Variant Classification Sherloc (09022015). Collection method: clinical testing. Allele origin: germline.
Comment: This sequence change replaces proline, which is neutral and non-polar, with arginine, which is basic and polar, at codon 600 of the CNGB1 protein (p.Pro600Arg). This variant is not present in population databases (gnomAD no frequency). This variant has not been reported in the literature in individuals affected with CNGB1-related conditions. ClinVar contains an entry for this variant (Variation ID: 1054794). An algorithm developed to predict the effect of missense changes on protein structure and function (PolyPhen-2) suggests that this variant is likely to be disruptive. In summary, the available evidence is currently insufficient to determine the role of this variant in disease. Therefore, it has been classified as a Variant of Uncertain Significance.

NM_001297.5(CNGB1):c.1799C>G (p.Pro600Arg)

Gene: CNGB1 (cyclic nucleotide gated channel subunit beta 1; minus strand). Cytogenetic location: 16q21.
Variant type: single nucleotide variant.
Coding change: c.1799C>G on transcript NM_001297.5 (MANE Select); coding-DNA position 1799, C replaced by G.
Protein change: p.Pro600Arg; replaces proline 600 with arginine.
Molecular consequence: missense variant.
Genome position (GRCh38, 1-based): chr16:57,920,389, G>C on the plus strand (C>G on the coding strand, the complement: CNGB1 is on the minus strand). VCF-style: chr16-57920389-G-C. GRCh37 (hg19) VCF-style: chr16-57954293-G-C.
Other names: c.1781C>G, p.Pro594Arg (NM_001286130.2); short protein forms P594R, P600R.
Identifiers: ClinVar variation 1054794 (VCV001054794.9), dbSNP rs747968794, ClinGen allele CA396065994.